The following is an entry in ClinVar:

NM_007294.4(BRCA1):c.23T>A (p.Val8Asp)

Gene: BRCA1 (BRCA1 DNA repair associated; minus strand). Cytogenetic location: 17q21.31.
Variant type: single nucleotide variant.
Coding change: c.23T>A on transcript NM_007294.4 (MANE Select); coding-DNA position 23, T replaced by A.
Protein change: p.Val8Asp; replaces valine 8 with aspartic acid.
Molecular consequence: missense variant. On other transcripts: 5 prime UTR variant (1), non-coding transcript variant (1).
Genome position (GRCh38, 1-based): chr17:43,124,074, A>T on the plus strand (T>A on the coding strand, the complement: BRCA1 is on the minus strand). VCF-style: chr17-43124074-A-T. GRCh37 (hg19) VCF-style: chr17-41276091-A-T.
Other names: c.23T>A, p.Val8Asp (NM_001407631.1, NM_001407632.1, NM_001407633.1 and 193 more transcripts); c.-235T>A (NM_001407694.1, NM_001407724.1, NM_001407727.1 and 11 more transcripts); c.-239T>A (NM_001407695.1, NM_001408465.1); c.-380T>A (NM_001407696.1); c.-264T>A (NM_001407697.1, NM_001407846.1, NM_001407920.1); c.-65T>A (NM_001407698.1, NM_001407732.1, NM_001407736.1 and 23 more transcripts); c.-238T>A (NM_001407725.1, NM_001407730.1, NM_001407734.1 and 22 more transcripts); c.-184T>A (NM_001407726.1, NM_001407751.1); and 8 more; short protein forms V8D.
Identifiers: ClinVar variation 867692 (VCV000867692.4), dbSNP rs2055739664, ClinGen allele CA10602118.

ClinVar aggregate classification (germline): Uncertain significance (1 of 4 stars; one submission).

Submissions (2):

GeneDx
Classification: Uncertain significance. Last evaluated: 2022-12-27. Review status: criteria provided, single submitter. Criteria: GeneDx Variant Classification Process June 2021. Collection method: clinical testing. Allele origin: germline. Affected: yes.
Comment: Published functional studies are inconclusive: variant classified as having intermediate function based on a saturation genome editing (SGE) assay measuring cell survival (Findlay et al., 2018); Not observed at significant frequency in large population cohorts (gnomAD); In silico analysis supports that this missense variant has a deleterious effect on protein structure/function; Also known as 142T>A; This variant is associated with the following publications: (PMID: 24389207, 20104584, 30209399)

Brotman Baty Institute, University of Washington
No classification provided (evidence only). Condition: Breast-ovarian cancer, familial 1. Review status: no classification provided. Collection method: in vitro. Allele origin: not applicable. Functional consequence: function_uncertain_variant. Not counted in ClinVar's aggregate classification.
ClinVar note: "not provided" was previously submitted as the classification for the variant. However, the classification appeared to be based only on an observation of functional data so it was converted to no classification on 2025-07-30.